The following is an entry in ClinVar:

ClinVar aggregate classification (germline): Uncertain significance (1 of 4 stars; one submission).

Submission:

Ambry Genetics
Classification: Uncertain significance. Last evaluated: 2024-09-09. Review status: criteria provided, single submitter. Criteria: Ambry Variant Classification Scheme 2023. Collection method: clinical testing. Allele origin: germline.
Comment: The p.V1055L variant (also known as c.3163G>T), located in coding exon 4 of the ALPK2 gene, results from a G to T substitution at nucleotide position 3163. The valine at codon 1055 is replaced by leucine, an amino acid with highly similar properties. This amino acid position is conserved. In addition, this alteration is predicted to be tolerated by in silico analysis. Based on the available evidence, the clinical significance of this variant remains unclear.

NM_052947.4(ALPK2):c.3163G>T (p.Val1055Leu)

Gene: ALPK2 (alpha kinase 2; minus strand). Cytogenetic location: 18q21.31.
Variant type: single nucleotide variant.
Coding change: c.3163G>T on transcript NM_052947.4 (MANE Select); coding-DNA position 3163, G replaced by T.
Protein change: p.Val1055Leu; replaces valine 1055 with leucine.
Molecular consequence: missense variant.
Genome position (GRCh38, 1-based): chr18:58,537,024, C>A on the plus strand (G>T on the coding strand, the complement: ALPK2 is on the minus strand). VCF-style: chr18-58537024-C-A. GRCh37 (hg19) VCF-style: chr18-56204256-C-A.
Other names: short protein forms V1055L.
Identifiers: ClinVar variation 3531448 (VCV003531448.1).